The following is an entry in ClinVar:

ClinVar aggregate classification (germline): Uncertain significance (1 of 4 stars; one submission).

gnomAD v4.1: 5 of 1,614,038 alleles (0.00031%); highest among the groups gnomAD compares: Non-Finnish European, 0.00042%; no homozygotes.

Submission:

GeneDx
Classification: Uncertain significance. Last evaluated: 2025-02-12. Review status: criteria provided, single submitter. Criteria: GeneDx Variant Classification Process June 2021. Collection method: clinical testing. Allele origin: germline. Affected: yes.
Comment: Not observed at significant frequency in large population cohorts (gnomAD); In silico analysis supports that this missense variant has a deleterious effect on protein structure/function; Has not been previously published as pathogenic or benign to our knowledge

NM_014991.6(WDFY3):c.10319G>T (p.Ser3440Ile)

Gene: WDFY3 (WD repeat and FYVE domain containing 3; minus strand). Cytogenetic location: 4q21.23.
Variant type: single nucleotide variant.
Coding change: c.10319G>T on transcript NM_014991.6 (MANE Select); coding-DNA position 10319, G replaced by T.
Protein change: p.Ser3440Ile; replaces serine 3440 with isoleucine.
Molecular consequence: missense variant.
Genome position (GRCh38, 1-based): chr4:84,677,337, C>A on the plus strand (G>T on the coding strand, the complement: WDFY3 is on the minus strand). VCF-style: chr4-84677337-C-A. GRCh37 (hg19) VCF-style: chr4-85598490-C-A.
Other names: short protein forms S3440I.
Identifiers: ClinVar variation 4075627 (VCV004075627.1).